The following is an entry in ClinVar:

ClinVar aggregate classification (germline): Uncertain significance (1 of 4 stars; one submission).

Conditions:
Hereditary spastic paraplegia 53. Also called: Spastic paraplegia 53, autosomal recessive. Identifiers: Orphanet 319199, MedGen C3539494, MONDO:0013962, OMIM 614898.

Submission:

Labcorp Genetics (formerly Invitae), Labcorp
Classification: Uncertain significance for Hereditary spastic paraplegia 53. Last evaluated: 2023-11-27. Review status: criteria provided, single submitter. Criteria: Invitae Variant Classification Sherloc (09022015). Collection method: clinical testing. Allele origin: germline.
Comment: This sequence change replaces glycine, which is neutral and non-polar, with aspartic acid, which is acidic and polar, at codon 219 of the VPS37A protein (p.Gly219Asp). This variant is not present in population databases (gnomAD no frequency). This variant has not been reported in the literature in individuals affected with VPS37A-related conditions. Advanced modeling of protein sequence and biophysical properties (such as structural, functional, and spatial information, amino acid conservation, physicochemical variation, residue mobility, and thermodynamic stability) has been performed at Invitae for this missense variant, however the output from this modeling did not meet the statistical confidence thresholds required to predict the impact of this variant on VPS37A protein function. In summary, the available evidence is currently insufficient to determine the role of this variant in disease. Therefore, it has been classified as a Variant of Uncertain Significance.

NM_152415.3(VPS37A):c.656G>A (p.Gly219Asp)

Gene: VPS37A (VPS37A subunit of ESCRT-I; plus strand). Cytogenetic location: 8p22.
Variant type: single nucleotide variant.
Coding change: c.656G>A on transcript NM_152415.3 (MANE Select); coding-DNA position 656, G replaced by A.
Protein change: p.Gly219Asp; replaces glycine 219 with aspartic acid.
Molecular consequence: missense variant.
Genome position (GRCh38, 1-based): chr8:17,276,410, G>A. VCF-style: chr8-17276410-G-A. GRCh37 (hg19) VCF-style: chr8-17133919-G-A.
Other names: c.581G>A, p.Gly194Asp (NM_001145152.2); c.656G>A, p.Gly219Asp (NM_001363167.1, NM_001363173.2); c.386G>A, p.Gly129Asp (NM_001363168.1, NM_001363169.1, NM_001363170.1 and 2 more transcripts); short protein forms G194D, G219D, G129D.
Identifiers: ClinVar variation 2753636 (VCV002753636.3), dbSNP rs2486981604, ClinGen allele CA370401883.
Genomic context (GRCh38, chr8:17,276,410, plus strand): 5'-TCAAAAATAATGGCTGAAATTTAATATCATTTAAAACTTTTCTTTAGACAAGCCAAAATG[G>A]TTTTGGGTACAAGATGCCAGATGTCCCTGATGCATTTCCAGAACTCTCAGAACTAAGGTA-3'
Protein context (NP_689628.2, residues 209-229): VDASIPTSQN[Gly219Asp]FGYKMPDVPD